The following is an entry in ClinVar:

ClinVar aggregate classification (germline): Uncertain significance (1 of 4 stars; one submission).

gnomAD v4.1: 1 of 1,614,098 alleles (0.000062%); highest among the groups gnomAD compares: East Asian, 0.0022%; no homozygotes.

Submission:

GeneDx
Classification: Uncertain significance. Last evaluated: 2026-07-14. Review status: criteria provided, single submitter. Criteria: GeneDx Variant Classification Process June 2021. Collection method: clinical testing. Allele origin: germline.
Comment: Not observed at significant frequency in large population cohorts (gnomAD); In silico analysis supports that this missense variant has a deleterious effect on protein structure/function; Has not been previously published as pathogenic or benign to our knowledge

NM_001127392.3(MYRF):c.1937C>T (p.Pro646Leu)

Gene: MYRF (myelin regulatory factor; plus strand). Cytogenetic location: 11q12.2.
Variant type: single nucleotide variant.
Coding change: c.1937C>T on transcript NM_001127392.3 (MANE Select); coding-DNA position 1937, C replaced by T.
Protein change: p.Pro646Leu; replaces proline 646 with leucine.
Molecular consequence: missense variant.
Genome position (GRCh38, 1-based): chr11:61,778,413, C>T. VCF-style: chr11-61778413-C-T. GRCh37 (hg19) VCF-style: chr11-61545885-C-T.
Other names: c.1910C>T, p.Pro637Leu (NM_013279.4); short protein forms P637L, P646L.
Identifiers: ClinVar variation 3367799 (VCV003367799.2).